The following is an entry in ClinVar:

NM_000540.3(RYR1):c.7754C>T (p.Thr2585Ile)

Gene: RYR1 (ryanodine receptor 1; plus strand). Cytogenetic location: 19q13.2.
Variant type: single nucleotide variant.
Coding change: c.7754C>T on transcript NM_000540.3 (MANE Select); coding-DNA position 7754, C replaced by T.
Protein change: p.Thr2585Ile; replaces threonine 2585 with isoleucine.
Molecular consequence: missense variant.
Genome position (GRCh38, 1-based): chr19:38,502,646, C>T. VCF-style: chr19-38502646-C-T. GRCh37 (hg19) VCF-style: chr19-38993286-C-T.
Other names: c.7754C>T, p.Thr2585Ile (NM_001042723.2); c.7754C>T (NM_000540.2); short protein forms T2585I.
Identifiers: ClinVar variation 1522317 (VCV001522317.9), dbSNP rs371934483, ClinGen allele CA070145.
Genomic context (GRCh38, chr19:38,502,646, plus strand): 5'-GTGCGCCGCTCTTTGCGGGCACAGAACACCGCGCCATCATGGTGGACTCTATGCTGCATA[C>T]CGTGTACCGCCTGTCTCGGGGTCGTTCGCTCACCAAGGCGCAGCGTGACGTCATCGAGGA-3'
Protein context (NP_000531.2, residues 2575-2595): RAIMVDSMLH[Thr2585Ile]VYRLSRGRSL

ClinVar aggregate classification (germline): Uncertain significance. Review status: criteria provided, multiple submitters, no conflicts (2 of 4 stars). 4 submissions from 4 submitters: Uncertain significance (4). Last evaluated 2025-11-26.

Conditions:
RYR1-related disorder. Also called: RYR1-related condition; RYR1-related disorders. Identifiers: MedGen CN239331.
Inborn genetic diseases. Identifiers: MedGen C0950123, MeSH D030342.
Malignant hyperthermia, susceptibility to, 1 (MHS1). Also called: RYR1-Related Malignant Hyperthermia Susceptibility; Anesthesia related hyperthermia; Malignant hyperpyrexia; Fulminating hyperpyrexia; Pharmacogenic myopathy; Malignant hyperthermia suceptibility 1. Identifiers: Orphanet 423, MedGen C2930980, MONDO:0007783, OMIM 145600.

Allele frequency attached by ClinVar (database versions not stated): TOPMed 0.00002; ExAC 0.00003; gnomAD 0.00003; gnomAD exomes 0.00003 and 0.00004; ESP Exome Variant Server 0.00008.
gnomAD v4.1: 56 of 1,612,746 alleles (0.0035%); highest among the groups gnomAD compares: East Asian, 0.0045%; no homozygotes.

Submissions (4):

Ambry Genetics
Classification: Uncertain significance for Inborn genetic diseases. Last evaluated: 2025-11-26. Review status: criteria provided, single submitter. Criteria: Ambry Variant Classification Scheme 2023. Collection method: clinical testing. Allele origin: germline.

GeneDx
Classification: Uncertain significance. Last evaluated: 2024-12-09. Review status: criteria provided, single submitter. Criteria: GeneDx Variant Classification Process June 2021. Collection method: clinical testing. Allele origin: germline. Affected: yes.
Comment: Not observed at significant frequency in large population cohorts (gnomAD); In silico analysis supports that this missense variant has a deleterious effect on protein structure/function; Has not been previously published as pathogenic or benign to our knowledge

All of Us Research Program, National Institutes of Health
Classification: Uncertain significance for Malignant hyperthermia, susceptibility to, 1. Last evaluated: 2023-11-02. Review status: criteria provided, single submitter. Criteria: ACMG Guidelines, 2015. Collection method: clinical testing. Allele origin: germline. Inheritance: Autosomal dominant inheritance. Observed: 2 variant alleles, 2 heterozygotes.
Comment: This missense variant replaces threonine with isoleucine at codon 2585 of the RYR1 protein. Computational prediction suggests that this variant may have deleterious impact on protein structure and function (internally defined REVEL score threshold >= 0.7, PMID: 27666373). To our knowledge, functional studies have not been reported for this variant. This variant has not been reported in individuals affected with RYR1-related disorders in the literature. This variant has been identified in 7/250346 chromosomes in the general population by the Genome Aggregation Database (gnomAD). The available evidence is insufficient to determine the role of this variant in disease conclusively. Therefore, this variant is classified as a Variant of Uncertain Significance.

This study involves interpretation of variants in research participants for the purpose of population health screening. Participant phenotype was not available at the time of variant classification. Additional details can be found in publication PMID: 35346344, PMCID: PMC8962531

Labcorp Genetics (formerly Invitae), Labcorp
Classification: Uncertain significance for RYR1-related disorder. Last evaluated: 2022-03-08. Review status: criteria provided, single submitter. Criteria: Invitae Variant Classification Sherloc (09022015). Collection method: clinical testing. Allele origin: germline.
Comment: This sequence change replaces threonine, which is neutral and polar, with isoleucine, which is neutral and non-polar, at codon 2585 of the RYR1 protein (p.Thr2585Ile). This variant is present in population databases (rs371934483, gnomAD 0.005%). This variant has not been reported in the literature in individuals affected with RYR1-related conditions. Advanced modeling of protein sequence and biophysical properties (such as structural, functional, and spatial information, amino acid conservation, physicochemical variation, residue mobility, and thermodynamic stability) performed at Invitae indicates that this missense variant is expected to disrupt RYR1 protein function. In summary, the available evidence is currently insufficient to determine the role of this variant in disease. Therefore, it has been classified as a Variant of Uncertain Significance.